The following is an entry in ClinVar:

NM_001349.4(DARS1):c.667A>G (p.Ile223Val)

Gene: DARS1 (aspartyl-tRNA synthetase 1; minus strand). Cytogenetic location: 2q21.3.
Variant type: single nucleotide variant.
Coding change: c.667A>G on transcript NM_001349.4 (MANE Select); coding-DNA position 667, A replaced by G.
Protein change: p.Ile223Val; replaces isoleucine 223 with valine.
Molecular consequence: missense variant.
Genome position (GRCh38, 1-based): chr2:135,924,396, T>C on the plus strand (A>G on the coding strand, the complement: DARS1 is on the minus strand). VCF-style: chr2-135924396-T-C. GRCh37 (hg19) VCF-style: chr2-136681966-T-C.
Other names: c.367A>G, p.Ile123Val (NM_001293312.1); short protein forms I123V, I223V.
Identifiers: ClinVar variation 1974614 (VCV001974614.4), dbSNP rs762103968, ClinGen allele CA1889722.

ClinVar aggregate classification (germline): Uncertain significance (1 of 4 stars; one submission).

Allele frequency attached by ClinVar (database versions not stated): gnomAD exomes 0.00001; TOPMed 0.00001; gnomAD 0.00002; ExAC 0.00003.
gnomAD v4.1: 10 of 1,594,892 alleles (0.00063%); highest among the groups gnomAD compares: African/African-American, 0.011%; no homozygotes.

Submission:

Labcorp Genetics (formerly Invitae), Labcorp
Classification: Uncertain significance. Last evaluated: 2022-05-29. Review status: criteria provided, single submitter. Criteria: Invitae Variant Classification Sherloc (09022015). Collection method: clinical testing. Allele origin: germline.
Comment: In summary, the available evidence is currently insufficient to determine the role of this variant in disease. Therefore, it has been classified as a Variant of Uncertain Significance. Algorithms developed to predict the effect of missense changes on protein structure and function are either unavailable or do not agree on the potential impact of this missense change (SIFT: "Tolerated"; PolyPhen-2: "Possibly Damaging"; Align-GVGD: "Class C0"). This variant has not been reported in the literature in individuals affected with DARS-related conditions. This variant is present in population databases (rs762103968, gnomAD 0.02%). This sequence change replaces isoleucine, which is neutral and non-polar, with valine, which is neutral and non-polar, at codon 223 of the DARS protein (p.Ile223Val).